The following is an entry in ClinVar:

NM_000550.3(TYRP1):c.915C>G (p.Ser305Arg)

Genes: LURAP1L-AS1 (LURAP1L antisense RNA 1; minus strand), TYRP1 (tyrosinase related protein 1; plus strand). Cytogenetic location: 9p23.
Variant type: single nucleotide variant.
Coding change: c.915C>G on transcript NM_000550.3 (MANE Select); coding-DNA position 915, C replaced by G.
Protein change: p.Ser305Arg; replaces serine 305 with arginine.
Molecular consequence: missense variant.
Genome position (GRCh38, 1-based): chr9:12,702,272, C>G. VCF-style: chr9-12702272-C-G. GRCh37 (hg19) VCF-style: chr9-12702272-C-G.
Other names: short protein forms S305R.
Identifiers: ClinVar variation 2051144 (VCV002051144.3), dbSNP rs151091299, ClinGen allele CA4985379.

ClinVar aggregate classification (germline): Uncertain significance. Review status: criteria provided, multiple submitters, no conflicts (2 of 4 stars). 3 submissions from 3 submitters: Uncertain significance (3). Last evaluated 2025-02-10.

Allele frequency attached by ClinVar (database versions not stated): ExAC 0.00002; TOPMed 0.00002; gnomAD 0.00003; gnomAD exomes 0.00009.
gnomAD v4.1: 127 of 1,612,620 alleles (0.0079%); highest among the groups gnomAD compares: Non-Finnish European, 0.011%; no homozygotes.

Submissions (3):

Women's Health and Genetics/Laboratory Corporation of America, LabCorp
Classification: Uncertain significance. Last evaluated: 2025-02-10. Review status: criteria provided, single submitter. Criteria: LabCorp Variant Classification Summary - May 2015. Collection method: clinical testing. Allele origin: germline.
Comment: Variant summary: TYRP1 c.915C>G (p.Ser305Arg) results in a non-conservative amino acid change located in the Common central domain of tyrosinase domain (IPR002227) of the encoded protein sequence. Five of five in-silico tools predict a damaging effect of the variant on protein function. The variant allele was found at a frequency of 4e-05 in 250602 control chromosomes. This frequency is not significantly higher than estimated for a pathogenic variant in TYRP1 causing Oculocutaneous albinism type 3, allowing no conclusion about variant significance. To our knowledge, no occurrence of c.915C>G in individuals affected with Oculocutaneous albinism type 3 and no experimental evidence demonstrating its impact on protein function have been reported. ClinVar contains an entry for this variant (Variation ID: 2051144). Based on the evidence outlined above, the variant was classified as uncertain significance.

Blueprint Genetics
Classification: Uncertain significance. Last evaluated: 2023-02-08. Review status: criteria provided, single submitter. Criteria: ACMG Guidelines, 2015. Collection method: clinical testing. Allele origin: germline.

Labcorp Genetics (formerly Invitae), Labcorp
Classification: Uncertain significance. Last evaluated: 2022-08-08. Review status: criteria provided, single submitter. Criteria: Invitae Variant Classification Sherloc (09022015). Collection method: clinical testing. Allele origin: germline.
Comment: This sequence change replaces serine, which is neutral and polar, with arginine, which is basic and polar, at codon 305 of the TYRP1 protein (p.Ser305Arg). This variant is present in population databases (rs151091299, gnomAD 0.009%). This variant has not been reported in the literature in individuals affected with TYRP1-related conditions. Algorithms developed to predict the effect of missense changes on protein structure and function are either unavailable or do not agree on the potential impact of this missense change (SIFT: "Tolerated"; PolyPhen-2: "Probably Damaging"; Align-GVGD: "Class C0"). In summary, the available evidence is currently insufficient to determine the role of this variant in disease. Therefore, it has been classified as a Variant of Uncertain Significance.